The following is an entry in ClinVar:

ClinVar aggregate classification (germline): Uncertain significance. Review status: criteria provided, multiple submitters, no conflicts (2 of 4 stars). 2 submissions from 2 submitters: Uncertain significance (2). Last evaluated 2025-12-29.

Allele frequency attached by ClinVar (database versions not stated): gnomAD exomes 0.00001; ExAC 0.00002; gnomAD 0.00003; TOPMed 0.00003; ESP Exome Variant Server 0.00008.

Submissions (2):

Labcorp Genetics (formerly Invitae), Labcorp
Classification: Uncertain significance. Last evaluated: 2025-12-29. Review status: criteria provided, single submitter. Criteria: Invitae Variant Classification Sherloc (09022015). Collection method: clinical testing. Allele origin: germline.
Comment: This sequence change replaces asparagine, which is neutral and polar, with serine, which is neutral and polar, at codon 186 of the UCP2 protein (p.Asn186Ser). This variant is present in population databases (rs371155974, gnomAD 0.02%). This variant has not been reported in the literature in individuals affected with UCP2-related conditions. ClinVar contains an entry for this variant (Variation ID: 2189330). An algorithm developed to predict the effect of missense changes on protein structure and function (PolyPhen-2) suggests that this variant is likely to be tolerated. In summary, the available evidence is currently insufficient to determine the role of this variant in disease. Therefore, it has been classified as a Variant of Uncertain Significance.

Ambry Genetics
Classification: Uncertain significance. Last evaluated: 2024-01-08. Review status: criteria provided, single submitter. Criteria: Ambry Variant Classification Scheme 2023. Collection method: clinical testing. Allele origin: germline.

NM_003355.3(UCP2):c.557A>G (p.Asn186Ser)

Gene: UCP2 (uncoupling protein 2; minus strand). Cytogenetic location: 11q13.4.
Variant type: single nucleotide variant.
Coding change: c.557A>G on transcript NM_003355.3 (MANE Select); coding-DNA position 557, A replaced by G.
Protein change: p.Asn186Ser; replaces asparagine 186 with serine.
Molecular consequence: missense variant. On other transcripts: intron variant (1).
Genome position (GRCh38, 1-based): chr11:73,976,718, T>C on the plus strand (A>G on the coding strand, the complement: UCP2 is on the minus strand). VCF-style: chr11-73976718-T-C. GRCh37 (hg19) VCF-style: chr11-73687763-T-C.
Other names: c.557A>G, p.Asn186Ser (NM_001381943.1, NM_001381944.1, NM_001381945.1 and 2 more transcripts); c.362A>G, p.Asn121Ser (NM_001381950.1); c.532+105A>G (NM_001381949.1); c.557A>G (NM_003355.2); short protein forms N121S, N186S.
Identifiers: ClinVar variation 2189330 (VCV002189330.5), dbSNP rs371155974, ClinGen allele CA6181089.
Genomic context (GRCh38, chr11:73,976,718, plus strand): 5'-TTCAGGAGGGCATCCTTGATGAGGTCATAGGTCACCAGCTCAGCACAGTTGACAATGGCA[T>C]TACGAGCAACATTGGGAGAGGTCCCTGTAGGAGGAGGAAGATCCTGGGTGAGACCAGAGT-3'
Protein context (NP_003346.2, residues 176-196): WKGTSPNVAR[Asn186Ser]AIVNCAELVT